The following is an entry in ClinVar:

NM_001372044.2(SHANK3):c.2481C>T (p.Ala827=)

Gene: SHANK3 (SH3 and multiple ankyrin repeat domains 3; plus strand). Cytogenetic location: 22q13.33.
Variant type: single nucleotide variant.
Coding change: c.2481C>T on transcript NM_001372044.2 (MANE Select); coding-DNA position 2481, C replaced by T.
Protein change: p.Ala827=; no amino-acid change (alanine 827 retained).
Molecular consequence: synonymous variant.
Genome position (GRCh38, 1-based): chr22:50,715,038, C>T. VCF-style: chr22-50715038-C-T. GRCh37 (hg19) VCF-style: chr22-51153466-C-T.
Identifiers: ClinVar variation 4281015 (VCV004281015.7).

ClinVar aggregate classification (germline): Likely benign (1 of 4 stars; one submission).

Submission:

CeGaT Center for Human Genetics Tuebingen
Classification: Likely benign. Last evaluated: 2025-09-01. Review status: criteria provided, single submitter. Criteria: CeGaT Center For Human Genetics Tuebingen Variant Classification Criteria Version 2. Collection method: clinical testing. Allele origin: germline. Affected: yes. Observed: 1 variant allele.
Comment: SHANK3: BP4, BP7